The following is an entry in ClinVar:

NM_005359.6(SMAD4):c.454+3A>G

Gene: SMAD4 (SMAD family member 4; plus strand). Cytogenetic location: 18q21.2.
Variant type: single nucleotide variant.
Coding change: c.454+3A>G on transcript NM_005359.6 (MANE Select); 3 bases into the intron after coding-DNA position 454, A replaced by G.
Molecular consequence: intron variant.
Genome position (GRCh38, 1-based): chr18:51,049,327, A>G. VCF-style: chr18-51049327-A-G. GRCh37 (hg19) VCF-style: chr18-48575697-A-G.
Other names: c.454+3A>G (NM_005359.5).
Identifiers: ClinVar variation 1484185 (VCV001484185.7), dbSNP rs2144407745, ClinGen allele CA2573155401.

ClinVar aggregate classification (germline): Uncertain significance. Review status: criteria provided, multiple submitters, no conflicts (2 of 4 stars). 2 submissions from 2 submitters: Uncertain significance (2). Last evaluated 2025-07-10.

Conditions:
Juvenile polyposis syndrome (JPS). Identifiers: Orphanet 2929, MedGen C0345893, MONDO:0017380, OMIM 174900.
Familial thoracic aortic aneurysm and aortic dissection (TAAD). Also called: Thoracic aortic aneurysms and dissections. Identifiers: Orphanet 91387, MedGen C4707243, MONDO:0019625.
Hereditary cancer-predisposing syndrome. Also called: Neoplastic Syndromes, Hereditary; Tumor predisposition; Hereditary neoplastic syndrome; Hereditary Cancer Syndrome. Identifiers: Orphanet 140162, MedGen C0027672, MeSH D009386, MONDO:0015356.

Allele frequency attached by ClinVar (database versions not stated): gnomAD exomes below 0.00001.
gnomAD v4.1: 1 of 1,594,422 alleles (0.000063%); highest among the groups gnomAD compares: Admixed American, 0.0017%; no homozygotes.

Submissions (2):

Ambry Genetics
Classification: Uncertain significance for Hereditary cancer-predisposing syndrome; Familial thoracic aortic aneurysm and aortic dissection. Last evaluated: 2025-07-10. Review status: criteria provided, single submitter. Criteria: Ambry Variant Classification Scheme 2023. Collection method: clinical testing. Allele origin: germline.
Comment: The c.454+3A>G intronic variant results from an A to G substitution 3 nucleotides after coding exon 3 in the SMAD4 gene. This nucleotide position is highly conserved in available vertebrate species. In silico splice site analysis predicts that this alteration may weaken the native splice donor site. Based on the available evidence, the clinical significance of this variant remains unclear.

Labcorp Genetics (formerly Invitae), Labcorp
Classification: Uncertain significance for Juvenile polyposis syndrome. Last evaluated: 2021-11-30. Review status: criteria provided, single submitter. Criteria: Invitae Variant Classification Sherloc (09022015). Collection method: clinical testing. Allele origin: germline.
Comment: This sequence change falls in intron 4 of the SMAD4 gene. It does not directly change the encoded amino acid sequence of the SMAD4 protein. It affects a nucleotide within the consensus splice site. This variant is not present in population databases (gnomAD no frequency). This variant has not been reported in the literature in individuals affected with SMAD4-related conditions. Variants that disrupt the consensus splice site are a relatively common cause of aberrant splicing (PMID: 17576681, 9536098). Algorithms developed to predict the effect of sequence changes on RNA splicing suggest that this variant may disrupt the consensus splice site. In summary, the available evidence is currently insufficient to determine the role of this variant in disease. Therefore, it has been classified as a Variant of Uncertain Significance.

Literature cited by the submitters: PubMed 17576681 (cited by Labcorp Genetics (formerly Invitae), Labcorp); PubMed 9536098 (cited by Labcorp Genetics (formerly Invitae), Labcorp).